The following is an entry in ClinVar:

NM_003839.4(TNFRSF11A):c.569C>T (p.Ser190Phe)

Gene: TNFRSF11A (TNF receptor superfamily member 11a; plus strand). Cytogenetic location: 18q21.33.
Variant type: single nucleotide variant.
Coding change: c.569C>T on transcript NM_003839.4 (MANE Select); coding-DNA position 569, C replaced by T.
Protein change: p.Ser190Phe; replaces serine 190 with phenylalanine.
Molecular consequence: missense variant.
Genome position (GRCh38, 1-based): chr18:62,360,002, C>T. VCF-style: chr18-62360002-C-T. GRCh37 (hg19) VCF-style: chr18-60027235-C-T.
Other names: c.569C>T, p.Ser190Phe (NM_001270949.2, NM_001270950.2, NM_001270951.2); c.527C>T, p.Ser176Phe (NM_001278268.2); short protein forms S176F, S190F.
Identifiers: ClinVar variation 2895780 (VCV002895780.3), dbSNP rs761418045, ClinGen allele CA8983799.

ClinVar aggregate classification (germline): Uncertain significance (1 of 4 stars; one submission).

Allele frequency attached by ClinVar (database versions not stated): ExAC 0.00001; gnomAD 0.00001; gnomAD exomes 0.00001; TOPMed 0.00001.
gnomAD v4.1: 4 of 1,613,930 alleles (0.00025%); highest among the groups gnomAD compares: Admixed American, 0.005%; no homozygotes.

Submission:

Labcorp Genetics (formerly Invitae), Labcorp
Classification: Uncertain significance. Last evaluated: 2023-10-13. Review status: criteria provided, single submitter. Criteria: Invitae Variant Classification Sherloc (09022015). Collection method: clinical testing. Allele origin: germline.
Comment: This sequence change replaces serine, which is neutral and polar, with phenylalanine, which is neutral and non-polar, at codon 190 of the TNFRSF11A protein (p.Ser190Phe). This variant is present in population databases (rs761418045, gnomAD 0.006%). This variant has not been reported in the literature in individuals affected with TNFRSF11A-related conditions. Advanced modeling of protein sequence and biophysical properties (such as structural, functional, and spatial information, amino acid conservation, physicochemical variation, residue mobility, and thermodynamic stability) has been performed at Invitae for this missense variant, however the output from this modeling did not meet the statistical confidence thresholds required to predict the impact of this variant on TNFRSF11A protein function. In summary, the available evidence is currently insufficient to determine the role of this variant in disease. Therefore, it has been classified as a Variant of Uncertain Significance.